The following is an entry in ClinVar:

ClinVar aggregate classification (germline): Uncertain significance (1 of 4 stars; one submission).

Conditions:
Regional enteritis. Also called: Enteritis, Granulomatous. Identifiers: MedGen C0678202, MeSH D003424.
Blau syndrome (BLAUS). Also called: ARTHROCUTANEOUVEAL GRANULOMATOSIS; GRANULOMATOSIS, FAMILIAL JUVENILE SYSTEMIC; GRANULOMATOSIS, FAMILIAL, BLAU TYPE; GRANULOMATOUS INFLAMMATORY ARTHRITIS, DERMATITIS, AND UVEITIS, FAMILIAL; JABS SYNDROME. Identifiers: Orphanet 90340, MedGen C5201146, MONDO:0008523, OMIM 186580.

Allele frequency attached by ClinVar (database versions not stated): ESP Exome Variant Server 0.00008.
gnomAD v4.1: 15 of 1,614,054 alleles (0.00093%); highest among the groups gnomAD compares: African/African-American, 0.0013%; no homozygotes.

Submission:

Labcorp Genetics (formerly Invitae), Labcorp
Classification: Uncertain significance for Regional enteritis; Blau syndrome. Last evaluated: 2022-03-04. Review status: criteria provided, single submitter. Criteria: Invitae Variant Classification Sherloc (09022015). Collection method: clinical testing. Allele origin: germline.
Comment: In summary, the available evidence is currently insufficient to determine the role of this variant in disease. Therefore, it has been classified as a Variant of Uncertain Significance. Advanced modeling of protein sequence and biophysical properties (such as structural, functional, and spatial information, amino acid conservation, physicochemical variation, residue mobility, and thermodynamic stability) performed at Invitae indicates that this missense variant is not expected to disrupt NOD2 protein function. This variant has not been reported in the literature in individuals affected with NOD2-related conditions. This variant is present in population databases (rs370734707, gnomAD 0.01%). This sequence change replaces proline, which is neutral and non-polar, with threonine, which is neutral and polar, at codon 80 of the NOD2 protein (p.Pro80Thr).

NM_001370466.1(NOD2):c.157C>A (p.Pro53Thr)

Gene: NOD2 (nucleotide binding oligomerization domain containing 2; plus strand). Cytogenetic location: 16q12.1.
Variant type: single nucleotide variant.
Coding change: c.157C>A on transcript NM_001370466.1 (MANE Select); coding-DNA position 157, C replaced by A.
Protein change: p.Pro53Thr; replaces proline 53 with threonine.
Molecular consequence: missense variant. On other transcripts: non-coding transcript variant (1).
Genome position (GRCh38, 1-based): chr16:50,699,652, C>A. VCF-style: chr16-50699652-C-A. GRCh37 (hg19) VCF-style: chr16-50733563-C-A.
Other names: c.157C>A, p.Pro53Thr (NM_001293557.2); c.238C>A, p.Pro80Thr (NM_022162.3); short protein forms P53T, P80T.
Identifiers: ClinVar variation 1908341 (VCV001908341.5), dbSNP rs370734707, ClinGen allele CA8051229.